The following is an entry in ClinVar:

ClinVar aggregate classification (germline): Uncertain significance (1 of 4 stars; one submission).

Conditions:
Familial hemiplegic migraine. Identifiers: MedGen C0338484, MONDO:0000700.

Submission:

Labcorp Genetics (formerly Invitae), Labcorp
Classification: Uncertain significance for Familial hemiplegic migraine. Last evaluated: 2024-05-02. Review status: criteria provided, single submitter. Criteria: Invitae Variant Classification Sherloc (09022015). Collection method: clinical testing. Allele origin: germline.
Comment: This sequence change replaces serine, which is neutral and polar, with arginine, which is basic and polar, at codon 992 of the ATP1A2 protein (p.Ser992Arg). This variant is not present in population databases (gnomAD no frequency). This variant has not been reported in the literature in individuals affected with ATP1A2-related conditions. Advanced modeling of protein sequence and biophysical properties (such as structural, functional, and spatial information, amino acid conservation, physicochemical variation, residue mobility, and thermodynamic stability) performed at Invitae indicates that this missense variant is expected to disrupt ATP1A2 protein function with a positive predictive value of 80%. In summary, the available evidence is currently insufficient to determine the role of this variant in disease. Therefore, it has been classified as a Variant of Uncertain Significance.

NM_000702.4(ATP1A2):c.2974A>C (p.Ser992Arg)

Gene: ATP1A2 (ATPase Na+/K+ transporting subunit alpha 2; plus strand). Cytogenetic location: 1q23.2.
Variant type: single nucleotide variant.
Coding change: c.2974A>C on transcript NM_000702.4 (MANE Select); coding-DNA position 2974, A replaced by C.
Protein change: p.Ser992Arg; replaces serine 992 with arginine.
Molecular consequence: missense variant.
Genome position (GRCh38, 1-based): chr1:160,139,924, A>C. VCF-style: chr1-160139924-A-C. GRCh37 (hg19) VCF-style: chr1-160109714-A-C.
Other names: short protein forms S992R.
Identifiers: ClinVar variation 3651973 (VCV003651973.2).